The following is an entry in ClinVar:

ClinVar aggregate classification (germline): Uncertain significance (1 of 4 stars; one submission).

Conditions:
Hereditary cancer-predisposing syndrome. Also called: Tumor predisposition; Hereditary Cancer Syndrome; Hereditary neoplastic syndrome; Neoplastic Syndromes, Hereditary. Identifiers: Orphanet 140162, MedGen C0027672, MeSH D009386, MONDO:0015356.

Submission:

Ambry Genetics
Classification: Uncertain significance for Hereditary cancer-predisposing syndrome. Last evaluated: 2023-07-28. Review status: criteria provided, single submitter. Criteria: Ambry Variant Classification Scheme 2023. Collection method: clinical testing. Allele origin: germline.
Comment: The p.D114E variant (also known as c.342C>G), located in coding exon 2 of the SMARCA4 gene, results from a C to G substitution at nucleotide position 342. The aspartic acid at codon 114 is replaced by glutamic acid, an amino acid with highly similar properties. This amino acid position is highly conserved in available vertebrate species. In addition, the in silico prediction for this alteration is inconclusive. Missense and in-frame variants in SMARCA4 are known to cause neurodevelopmental disorders; however, such associations with rhabdoid tumor predisposition syndrome including small cell carcinoma of the ovary-hypercalcemic type (SCCOHT) are exceedingly rare (Kosho T et al. Am J Med Genet C Semin Med Genet. 2014 Sep;166C(3):262-75; Jelinic P et al. Nat Genet. 2014 May;46(5):424-6). Based on the supporting evidence, the association of this alteration with Coffin-Siris syndrome is unknown; however, the association of this alteration with rhabdoid tumor predisposition syndrome is unlikely.

NM_003072.5(SMARCA4):c.342C>G (p.Asp114Glu)

Gene: SMARCA4 (SWI/SNF related BAF chromatin remodeling complex subunit ATPase 4; plus strand). Cytogenetic location: 19p13.2.
Variant type: single nucleotide variant.
Coding change: c.342C>G on transcript NM_003072.5 (MANE Select); coding-DNA position 342, C replaced by G.
Protein change: p.Asp114Glu; replaces aspartic acid 114 with glutamic acid.
Molecular consequence: missense variant. On other transcripts: non-coding transcript variant (1).
Genome position (GRCh38, 1-based): chr19:10,985,392, C>G. VCF-style: chr19-10985392-C-G. GRCh37 (hg19) VCF-style: chr19-11096068-C-G.
Other names: c.342C>G, p.Asp114Glu (NM_001128844.3, NM_001128845.2, NM_001128846.2 and 6 more transcripts); short protein forms D114E.
Identifiers: ClinVar variation 2587131 (VCV002587131.2), dbSNP rs1599942113, ClinGen allele CA404055363.